The following is an entry in ClinVar:

NM_001848.3(COL6A1):c.1589A>G (p.Asn530Ser)

Gene: COL6A1 (collagen type VI alpha 1 chain; plus strand). Cytogenetic location: 21q22.3.
Variant type: single nucleotide variant.
Coding change: c.1589A>G on transcript NM_001848.3 (MANE Select); coding-DNA position 1589, A replaced by G.
Protein change: p.Asn530Ser; replaces asparagine 530 with serine.
Molecular consequence: missense variant.
Genome position (GRCh38, 1-based): chr21:45,998,411, A>G. VCF-style: chr21-45998411-A-G. GRCh37 (hg19) VCF-style: chr21-47418325-A-G.
Other names: short protein forms N530S.
Identifiers: ClinVar variation 835749 (VCV000835749.10), dbSNP rs771012175, ClinGen allele CA10070430.

ClinVar aggregate classification (germline): Uncertain significance (1 of 4 stars; one submission).

Conditions:
Bethlem myopathy 1A. Also called: MYOPATHY, BENIGN CONGENITAL, WITH CONTRACTURES; Bethlem Muscular Dystrophy; Bethlem myopathy 1. Identifiers: Orphanet 610, MedGen CN029274, MONDO:0024530, OMIM 158810.

Allele frequency attached by ClinVar (database versions not stated): gnomAD exomes below 0.00001; ExAC 0.00001; gnomAD 0.00001.
gnomAD v4.1: 5 of 1,613,068 alleles (0.00031%); highest among the groups gnomAD compares: Non-Finnish European, 0.00042%; no homozygotes.

Submission:

Labcorp Genetics (formerly Invitae), Labcorp
Classification: Uncertain significance for Bethlem myopathy 1A. Last evaluated: 2019-11-26. Review status: criteria provided, single submitter. Criteria: Invitae Variant Classification Sherloc (09022015). Collection method: clinical testing. Allele origin: germline.
Comment: In summary, the available evidence is currently insufficient to determine the role of this variant in disease. Therefore, it has been classified as a Variant of Uncertain Significance. Algorithms developed to predict the effect of missense changes on protein structure and function output the following: SIFT: "Tolerated"; PolyPhen-2: "Benign"; Align-GVGD: "Class C0". The serine amino acid residue is found in multiple mammalian species, suggesting that this missense change does not adversely affect protein function. These predictions have not been confirmed by published functional studies and their clinical significance is uncertain. This variant has not been reported in the literature in individuals with COL6A1-related conditions. This variant is present in population databases (rs771012175, ExAC 0.002%). This sequence change replaces asparagine with serine at codon 530 of the COL6A1 protein (p.Asn530Ser). The asparagine residue is weakly conserved and there is a small physicochemical difference between asparagine and serine.